The following is an entry in ClinVar:

NM_000127.3(EXT1):c.1888_1889insTTT (p.Tyr629_Tyr630insPhe)

Gene: EXT1 (exostosin glycosyltransferase 1; minus strand). Cytogenetic location: 8q24.11.
Variant type: Insertion.
Coding change: c.1888_1889insTTT on transcript NM_000127.3 (MANE Select); coding-DNA positions 1888 to 1889, TTT inserted.
Protein change: p.Tyr629_Tyr630insPhe.
Molecular consequence: inframe insertion. On other transcripts: inframe indel (1).
Genome position: GRCh38 VCF-style: chr8-117804888-T-TAAA. GRCh37 (hg19) VCF-style: chr8-118817127-T-TAAA.
Other names: c.1888_1889insTTT (NM_000127.2).
Identifiers: ClinVar variation 2636285 (VCV002636285.1), dbSNP rs2488085721, ClinGen allele CA2695201522.

ClinVar aggregate classification (germline): Uncertain significance (1 of 4 stars; one submission).

Conditions:
EXT1-related disorder. Also called: EXT1-related condition.

Submission:

PreventionGenetics, part of Exact Sciences
Classification: Uncertain significance for EXT1-related condition. Last evaluated: 2022-08-21. Review status: criteria provided, single submitter. Criteria: ACMG Guidelines, 2015. Collection method: clinical testing. Allele origin: germline.
Comment: The EXT1 c.1888_1889insTTT variant is predicted to result in an in-frame amino acid insertion (p.Tyr629_Tyr630insPhe). To our knowledge, this variant has not been reported in the literature or in a large population database, indicating this variant is rare. At this time, the clinical significance of this variant is uncertain due to the absence of conclusive functional and genetic evidence.